The following is an entry in ClinVar:

NM_130384.3(ATRIP):c.169G>A (p.Ala57Thr)

Genes: ATRIP (ATR interacting protein; plus strand), ATRIP-TREX1 (ATRIP-TREX1 readthrough; plus strand), LOC129936703 (ATAC-STARR-seq lymphoblastoid silent region 14331; plus strand). Cytogenetic location: 3p21.31.
Variant type: single nucleotide variant.
Coding change: c.169G>A on transcript NM_130384.3 (MANE Select); coding-DNA position 169, G replaced by A.
Protein change: p.Ala57Thr; replaces alanine 57 with threonine.
Molecular consequence: missense variant. On other transcripts: non-coding transcript variant (1), intron variant (1).
Genome position (GRCh38, 1-based): chr3:48,447,014, G>A. VCF-style: chr3-48447014-G-A. GRCh37 (hg19) VCF-style: chr3-48488418-G-A.
Other names: c.169G>A, p.Ala57Thr (NM_032166.4); c.-218+215G>A (NM_001271022.2); short protein forms A57T.
Identifiers: ClinVar variation 3975747 (VCV003975747.1).

ClinVar aggregate classification (germline): Uncertain significance (1 of 4 stars; one submission).

gnomAD v4.1: 31 of 1,581,168 alleles (0.002%); highest among the groups gnomAD compares: African/African-American, 0.0028%; no homozygotes.

Submission:

Ambry Genetics
Classification: Uncertain significance. Last evaluated: 2025-03-24. Review status: criteria provided, single submitter. Criteria: Ambry Variant Classification Scheme 2023. Collection method: clinical testing. Allele origin: germline.
Comment: The p.A57T variant (also known as c.169G>A), located in coding exon 1 of the ATRIP gene, results from a G to A substitution at nucleotide position 169. The alanine at codon 57 is replaced by threonine, an amino acid with similar properties. This amino acid position is conserved. In addition, this alteration is predicted to be tolerated by in silico analysis. Based on the available evidence, the clinical significance of this variant remains unclear.